The following is an entry in ClinVar:

NM_182914.3(SYNE2):c.8786G>A (p.Arg2929Lys)

Gene: SYNE2 (spectrin repeat containing nuclear envelope protein 2; plus strand). Cytogenetic location: 14q23.2.
Variant type: single nucleotide variant.
Coding change: c.8786G>A on transcript NM_182914.3 (MANE Select); coding-DNA position 8786, G replaced by A.
Protein change: p.Arg2929Lys; replaces arginine 2929 with lysine.
Molecular consequence: missense variant.
Genome position (GRCh38, 1-based): chr14:64,052,699, G>A. VCF-style: chr14-64052699-G-A. GRCh37 (hg19) VCF-style: chr14-64519417-G-A.
Other names: c.8786G>A, p.Arg2929Lys (NM_015180.6); short protein forms R2929K.
Identifiers: ClinVar variation 642783 (VCV000642783.8), dbSNP rs1177149020, ClinGen allele CA389971220.
Genomic context (GRCh38, chr14:64,052,699, plus strand): 5'-AAAGATTATTTCTGGAAGATCAGTTGAAAAATCTTAAGATTAGGACCAACAGAATACAAA[G>A]ATTCATTCAGAATACATGTAATGAAGTGGAACACAAGATAAAGTTTTGCAGACAATTCCA-3'
Protein context (NP_878918.2, residues 2919-2939): NLKIRTNRIQ[Arg2929Lys]FIQNTCNEVE

ClinVar aggregate classification (germline): Uncertain significance (1 of 4 stars; one submission).

Conditions:
Emery-Dreifuss muscular dystrophy 5, autosomal dominant (EDMD5). Also called: EMERY-DREIFUSS MUSCULAR DYSTROPHY 5. Identifiers: Orphanet 261, MedGen C2751805, MONDO:0013072, OMIM 612999.

Allele frequency attached by ClinVar (database versions not stated): gnomAD exomes below 0.00001; TOPMed 0.00002; gnomAD 0.00003 and 0.00004.
gnomAD v4.1: 8 of 1,613,580 alleles (0.0005%); highest among the groups gnomAD compares: African/African-American, 0.0093%; no homozygotes.

Submission:

Labcorp Genetics (formerly Invitae), Labcorp
Classification: Uncertain significance for Emery-Dreifuss muscular dystrophy 5, autosomal dominant. Last evaluated: 2018-07-31. Review status: criteria provided, single submitter. Criteria: Invitae Variant Classification Sherloc (09022015). Collection method: clinical testing. Allele origin: germline.
Comment: This sequence change replaces arginine with lysine at codon 2929 of the SYNE2 protein (p.Arg2929Lys). The arginine residue is weakly conserved and there is a small physicochemical difference between arginine and lysine. This variant is not present in population databases (ExAC no frequency). This variant has not been reported in the literature in individuals with SYNE2-related disease. Algorithms developed to predict the effect of missense changes on protein structure and function are either unavailable or do not agree on the potential impact of this missense change (SIFT: "Tolerated"; PolyPhen-2: "Probably Damaging"; Align-GVGD: "Class C0"). In summary, the available evidence is currently insufficient to determine the role of this variant in disease. Therefore, it has been classified as a Variant of Uncertain Significance.